The following is an entry in ClinVar:

ClinVar aggregate classification (germline): Likely pathogenic (1 of 4 stars; one submission).

Conditions:
Autoimmune lymphoproliferative syndrome type 1. Also called: AUTOIMMUNE LYMPHOPROLIFERATIVE SYNDROME, TYPE I, AUTOSOMAL DOMINANT. Identifiers: Orphanet 3261, MedGen C2717884, MONDO:0011158, OMIM 601859.

Submission:

Labcorp Genetics (formerly Invitae), Labcorp
Classification: Likely pathogenic for Autoimmune lymphoproliferative syndrome. Last evaluated: 2024-02-26. Review status: criteria provided, single submitter. Criteria: Invitae Variant Classification Sherloc (09022015). Collection method: clinical testing. Allele origin: germline.
Comment: This sequence change falls in intron 5 of the FAS gene. It does not directly change the encoded amino acid sequence of the FAS protein. This variant is not present in population databases (gnomAD no frequency). This variant has been observed in individual(s) with autoimmune lymphoproliferative syndrome and/or clinical features of autosomal dominant Autoimmune lymphoproliferative syndrome (PMID: 22237435; Invitae). ClinVar contains an entry for this variant (Variation ID: 644034). Algorithms developed to predict the effect of sequence changes on RNA splicing suggest that this variant may disrupt the consensus splice site. In summary, the currently available evidence indicates that the variant is pathogenic, but additional data are needed to prove that conclusively. Therefore, this variant has been classified as Likely Pathogenic.

Literature cited by the submitters: PubMed 22237435.

NM_000043.6(FAS):c.506-6C>G

Gene: FAS (Fas cell surface death receptor; plus strand). Cytogenetic location: 10q23.31.
Variant type: single nucleotide variant.
Coding change: c.506-6C>G on transcript NM_000043.6 (MANE Select); 6 bases into the intron before coding-DNA position 506, C replaced by G.
Molecular consequence: intron variant.
Genome position (GRCh38, 1-based): chr10:89,010,747, C>G. VCF-style: chr10-89010747-C-G. GRCh37 (hg19) VCF-style: chr10-90770504-C-G.
Other names: c.506-6C>G (NM_152872.4, NM_001320619.2); c.505+147C>G (NM_152871.4).
Identifiers: ClinVar variation 644034 (VCV000644034.10), dbSNP rs1589482683, ClinGen allele CA915947514.